The following is an entry in ClinVar:

NM_000701.8(ATP1A1):c.2356G>A (p.Glu786Lys)

Genes: ATP1A1 (ATPase Na+/K+ transporting subunit alpha 1; plus strand), ATP1A1-AS1 (ATP1A1 antisense RNA 1; minus strand). Cytogenetic location: 1p13.1.
Variant type: single nucleotide variant.
Coding change: c.2356G>A on transcript NM_000701.8 (MANE Select); coding-DNA position 2356, G replaced by A.
Protein change: p.Glu786Lys; replaces glutamic acid 786 with lysine.
Molecular consequence: missense variant.
Genome position (GRCh38, 1-based): chr1:116,398,992, G>A. VCF-style: chr1-116398992-G-A. GRCh37 (hg19) VCF-style: chr1-116941614-G-A.
Other names: c.2356G>A, p.Glu786Lys (NM_001160233.2); c.2263G>A, p.Glu755Lys (NM_001160234.2); short protein forms E755K, E786K.
Identifiers: ClinVar variation 4174996 (VCV004174996.1).

ClinVar aggregate classification (germline): Uncertain significance (1 of 4 stars; one submission).

Conditions:
Inborn genetic diseases. Identifiers: MedGen C0950123, MeSH D030342.

Submission:

Ambry Genetics
Classification: Uncertain significance for Inborn genetic diseases. Last evaluated: 2025-09-09. Review status: criteria provided, single submitter. Criteria: Ambry Variant Classification Scheme 2023. Collection method: clinical testing. Allele origin: germline.
Comment: The c.2356G>A (p.E786K) alteration is located in exon 17 (coding exon 17) of the ATP1A1 gene. This alteration results from a G to A substitution at nucleotide position 2356, causing the glutamic acid (E) at amino acid position 786 to be replaced by a lysine (K). This variant was not reported in population-based cohorts in the Genome Aggregation Database (gnomAD). This amino acid position is highly conserved in available vertebrate species. This missense alteration is located in a region that has a low rate of benign missense variation (Lek, 2016; Firth, 2009). This alteration is predicted to be deleterious by in silico analysis. Based on insufficient or conflicting evidence, the clinical significance of this alteration remains unclear.